The following is an entry in ClinVar:

ClinVar aggregate classification (germline): Benign/Likely benign. Review status: criteria provided, multiple submitters, no conflicts (2 of 4 stars). 4 submissions from 4 submitters: Benign (2); Likely benign (1). 1 of the submissions does not count toward it. Last evaluated 2026-02-03.

Conditions:
CSF2RB-related disorder. Also called: CSF2RB-related condition.

Allele frequency attached by ClinVar (database versions not stated): gnomAD 0.00628 and 0.00691; TOPMed 0.00665; ESP Exome Variant Server 0.00700; 1000 Genomes Project 0.00839; gnomAD exomes 0.00852 and 0.00900; ExAC 0.00861; 1000 Genomes Project 30x 0.00874.
gnomAD v4.1: 14,223 of 1,614,216 alleles (0.88%); highest among the groups gnomAD compares: South Asian, 1.9%; 97 homozygotes.

Submissions (4):

Labcorp Genetics (formerly Invitae), Labcorp
Classification: Benign. Last evaluated: 2026-02-03. Review status: criteria provided, single submitter. Criteria: Invitae Variant Classification Sherloc (09022015). Collection method: clinical testing. Allele origin: germline.

Blueprint Genetics
Classification: Likely benign. Last evaluated: 2024-11-28. Review status: criteria provided, single submitter. Criteria: ACMG Guidelines, 2015. Collection method: clinical testing. Allele origin: germline.

Breakthrough Genomics
Classification: Benign. Review status: criteria provided, single submitter. Criteria: ACMG Guidelines, 2015. Collection method: not provided. Allele origin: germline. Inheritance: Autosomal recessive inheritance. Affected: yes.

PreventionGenetics, part of Exact Sciences
Classification: Likely benign for CSF2RB-related condition. Last evaluated: 2019-03-21. Review status: no assertion criteria provided. Collection method: clinical testing. Allele origin: germline. Not counted in ClinVar's aggregate classification.
Comment: This variant is classified as likely benign based on ACMG/AMP sequence variant interpretation guidelines (Richards et al. 2015 PMID: 25741868, with internal and published modifications).

NM_000395.3(CSF2RB):c.273C>T (p.Cys91=)

Genes: CSF2RB (colony stimulating factor 2 receptor subunit beta; plus strand), LOC126863140 (BRD4-independent group 4 enhancer GRCh37_chr22:37321546-37322745; plus strand). Cytogenetic location: 22q12.3.
Variant type: single nucleotide variant.
Coding change: c.273C>T on transcript NM_000395.3 (MANE Select); coding-DNA position 273, C replaced by T.
Protein change: p.Cys91=; no amino-acid change (cysteine 91 retained).
Molecular consequence: synonymous variant.
Genome position (GRCh38, 1-based): chr22:36,926,059, C>T. VCF-style: chr22-36926059-C-T. GRCh37 (hg19) VCF-style: chr22-37322101-C-T.
Identifiers: ClinVar variation 788754 (VCV000788754.15), dbSNP rs61736839, ClinGen allele CA10213426.